The following is an entry in ClinVar:

NM_000452.3(SLC10A2):c.762-13A>G

Gene: SLC10A2 (solute carrier family 10 member 2; minus strand). Cytogenetic location: 13q33.1.
Variant type: single nucleotide variant.
Coding change: c.762-13A>G on transcript NM_000452.3 (MANE Select); 13 bases into the intron before coding-DNA position 762, A replaced by G.
Molecular consequence: intron variant.
Genome position (GRCh38, 1-based): chr13:103,049,459, T>C on the plus strand (A>G on the coding strand, the complement: SLC10A2 is on the minus strand). VCF-style: chr13-103049459-T-C. GRCh37 (hg19) VCF-style: chr13-103701809-T-C.
Identifiers: ClinVar variation 3676354 (VCV003676354.2).

ClinVar aggregate classification (germline): Uncertain significance (1 of 4 stars; one submission).

gnomAD v4.1: 9 of 1,613,526 alleles (0.00056%); highest among the groups gnomAD compares: African/African-American, 0.012%; no homozygotes.

Submission:

Labcorp Genetics (formerly Invitae), Labcorp
Classification: Uncertain significance. Last evaluated: 2024-11-04. Review status: criteria provided, single submitter. Criteria: Invitae Variant Classification Sherloc (09022015). Collection method: clinical testing. Allele origin: germline.
Comment: This sequence change falls in intron 4 of the SLC10A2 gene. It does not directly change the encoded amino acid sequence of the SLC10A2 protein. This variant is present in population databases (no rsID available, gnomAD 0.008%). This variant has not been reported in the literature in individuals affected with SLC10A2-related conditions. Algorithms developed to predict the effect of sequence changes on RNA splicing suggest that this variant may disrupt the consensus splice site. In summary, the available evidence is currently insufficient to determine the role of this variant in disease. Therefore, it has been classified as a Variant of Uncertain Significance.